The following is an entry in ClinVar:

NM_020921.4(NIN):c.264A>T (p.Pro88=)

Gene: NIN (ninein; minus strand). Cytogenetic location: 14q22.1.
Variant type: single nucleotide variant.
Coding change: c.264A>T on transcript NM_020921.4 (MANE Select); coding-DNA position 264, A replaced by T.
Protein change: p.Pro88=; no amino-acid change (proline 88 retained).
Molecular consequence: synonymous variant.
Genome position (GRCh38, 1-based): chr14:50,806,738, T>A on the plus strand (A>T on the coding strand, the complement: NIN is on the minus strand). VCF-style: chr14-50806738-T-A. GRCh37 (hg19) VCF-style: chr14-51273456-T-A.
Other names: c.264A>T, p.Pro88= (NM_016350.5, NM_182944.3, NM_182946.2).
Identifiers: ClinVar variation 129783 (VCV000129783.20), dbSNP rs61755037, ClinGen allele CA154081.

ClinVar aggregate classification (germline): Benign/Likely benign. Review status: criteria provided, multiple submitters, no conflicts (2 of 4 stars). 5 submissions from 5 submitters: Benign (2); Likely benign (2). 1 of the submissions does not count toward it. Last evaluated 2026-01-26.

Conditions:
NIN-related disorder. Also called: NIN-related condition.

Allele frequency attached by ClinVar (database versions not stated): ExAC 0.00256; 1000 Genomes Project 30x 0.01046; gnomAD exomes 0.00072 and 0.00193; 1000 Genomes Project 0.00899; TOPMed 0.00901; gnomAD 0.00815; ESP Exome Variant Server 0.00961.
gnomAD v4.1: 2,275 of 1,557,114 alleles (0.15%); highest among the groups gnomAD compares: African/African-American, 2.8%; 42 homozygotes.

Submissions (13):

Labcorp Genetics (formerly Invitae), Labcorp
Classification: Benign. Last evaluated: 2026-01-26. Review status: criteria provided, single submitter. Criteria: Invitae Variant Classification Sherloc (09022015). Collection method: clinical testing. Allele origin: germline.

Center for Pediatric Genomic Medicine, Children's Mercy Hospital and Clinics
Classification: Likely benign. Last evaluated: 2017-02-27. Review status: criteria provided, single submitter. Criteria: ACMG Guidelines, 2015. Collection method: clinical testing. Allele origin: germline.

Genetic Services Laboratory, University of Chicago
Classification: Benign. Last evaluated: 2015-08-21. Review status: criteria provided, single submitter. Criteria: ACMG Guidelines, 2015. Collection method: clinical testing. Allele origin: germline. Affected: no.

Breakthrough Genomics
Classification: Likely benign. Review status: criteria provided, single submitter. Criteria: ACMG Guidelines, 2015. Collection method: not provided. Allele origin: germline. Inheritance: Autosomal recessive inheritance. Affected: yes.

PreventionGenetics, part of Exact Sciences
Classification: Benign for NIN-related condition. Last evaluated: 2019-04-04. Review status: no assertion criteria provided. Collection method: clinical testing. Allele origin: germline. Not counted in ClinVar's aggregate classification.
Comment: This variant is classified as benign based on ACMG/AMP sequence variant interpretation guidelines (Richards et al. 2015 PMID: 25741868, with internal and published modifications).

Dr. Peter K. Rogan Lab, Western University
No classification provided (evidence only). Condition: Clear cell carcinoma of kidney. Review status: no classification provided. Collection method: in vitro. Allele origin: not applicable. Functional consequence: retained intron. Not counted in ClinVar's aggregate classification.

Dr. Peter K. Rogan Lab, Western University
No classification provided (evidence only). Condition: Clear cell carcinoma of kidney. Review status: no classification provided. Collection method: in vitro. Allele origin: not applicable. Functional consequence: retained intron. Not counted in ClinVar's aggregate classification.

Dr. Peter K. Rogan Lab, Western University
No classification provided (evidence only). Condition: Lung cancer. Review status: no classification provided. Collection method: in vitro. Allele origin: not applicable. Functional consequence: retained intron. Not counted in ClinVar's aggregate classification.

Dr. Peter K. Rogan Lab, Western University
No classification provided (evidence only). Condition: Uterine corpus endometrial carcinoma. Review status: no classification provided. Collection method: in vitro. Allele origin: not applicable. Functional consequence: retained intron. Not counted in ClinVar's aggregate classification.

Dr. Peter K. Rogan Lab, Western University
No classification provided (evidence only). Condition: Sarcoma. Review status: no classification provided. Collection method: in vitro. Allele origin: not applicable. Functional consequence: retained intron. Not counted in ClinVar's aggregate classification.

Dr. Peter K. Rogan Lab, Western University
No classification provided (evidence only). Condition: Sarcoma. Review status: no classification provided. Collection method: in vitro. Allele origin: not applicable. Functional consequence: retained intron. Not counted in ClinVar's aggregate classification.

Dr. Peter K. Rogan Lab, Western University
No classification provided (evidence only). Condition: Ovarian serous cystadenocarcinoma. Review status: no classification provided. Collection method: in vitro. Allele origin: not applicable. Functional consequence: retained intron. Not counted in ClinVar's aggregate classification.

Dr. Peter K. Rogan Lab, Western University
No classification provided (evidence only). Condition: Malignant tumor of esophagus. Review status: no classification provided. Collection method: in vitro. Allele origin: not applicable. Functional consequence: retained intron. Not counted in ClinVar's aggregate classification.